The following is an entry in ClinVar:

ClinVar aggregate classification (germline): Uncertain significance (1 of 4 stars; one submission).

Submission:

GeneDx
Classification: Uncertain significance. Last evaluated: 2025-03-06. Review status: criteria provided, single submitter. Criteria: GeneDx Variant Classification Process June 2021. Collection method: clinical testing. Allele origin: germline. Affected: yes.
Comment: Not observed at significant frequency in large population cohorts (gnomAD); Frameshift variant predicted to result in protein truncation or nonsense mediated decay in a gene or region of a gene for which loss of function is not a well-established mechanism of disease; Has not been previously published as pathogenic or benign to our knowledge

NM_007317.3(KIF22):c.1367del (p.Gln456fs)

Gene: KIF22 (kinesin family member 22; plus strand). Cytogenetic location: 16p11.2.
Variant type: Deletion.
Coding change: c.1367del on transcript NM_007317.3 (MANE Select); coding-DNA position 1367, one base deleted (A; older notation c.1367delA).
Protein change: p.Gln456fs; shifts the reading frame from glutamine 456.
Molecular consequence: frameshift variant.
Genome position (GRCh38, 1-based): chr16:29,802,855, A deleted. VCF-style (leftmost placement, unchanged base first): chr16-29802854-CA-C. GRCh37 (hg19) VCF-style: chr16-29814175-CA-C.
Other names: c.1163del, p.Gln388fs (NM_001256269.2, NM_001256270.1); short protein forms Q388fs, Q456fs.
Identifiers: ClinVar variation 4082677 (VCV004082677.1).